The following is an entry in ClinVar:

NM_000748.3(CHRNB2):c.14G>C (p.Cys5Ser)

Genes: CHRNB2 (cholinergic receptor nicotinic beta 2 subunit; plus strand), LOC129931511 (ATAC-STARR-seq lymphoblastoid silent region 1363; plus strand). Cytogenetic location: 1q21.3.
Variant type: single nucleotide variant.
Coding change: c.14G>C on transcript NM_000748.3 (MANE Select); coding-DNA position 14, G replaced by C.
Protein change: p.Cys5Ser; replaces cysteine 5 with serine.
Molecular consequence: missense variant.
Genome position (GRCh38, 1-based): chr1:154,568,058, G>C. VCF-style: chr1-154568058-G-C. GRCh37 (hg19) VCF-style: chr1-154540534-G-C.
Other names: short protein forms C5S.
Identifiers: ClinVar variation 1393338 (VCV001393338.9), dbSNP rs2149365741, ClinGen allele CA342629057.

ClinVar aggregate classification (germline): Uncertain significance. Review status: criteria provided, multiple submitters, no conflicts (2 of 4 stars). 2 submissions from 2 submitters: Uncertain significance (2). Last evaluated 2022-08-31.

Conditions:
Familial sleep-related hypermotor epilepsy. Also called: Autosomal Dominant Sleep-Related Hypermotor (Hyperkinetic) Epilepsy. Identifiers: Orphanet 98784, MedGen C3696898, MONDO:0000030.

Submissions (2):

Labcorp Genetics (formerly Invitae), Labcorp
Classification: Uncertain significance. Last evaluated: 2022-08-31. Review status: criteria provided, single submitter. Criteria: Invitae Variant Classification Sherloc (09022015). Collection method: clinical testing. Allele origin: germline.
Comment: This variant has not been reported in the literature in individuals affected with CHRNB2-related conditions. This variant is not present in population databases (gnomAD no frequency). This sequence change replaces cysteine, which is neutral and slightly polar, with serine, which is neutral and polar, at codon 5 of the CHRNB2 protein (p.Cys5Ser). ClinVar contains an entry for this variant (Variation ID: 1393338). In summary, the available evidence is currently insufficient to determine the role of this variant in disease. Therefore, it has been classified as a Variant of Uncertain Significance. Advanced modeling of protein sequence and biophysical properties (such as structural, functional, and spatial information, amino acid conservation, physicochemical variation, residue mobility, and thermodynamic stability) performed at Invitae indicates that this missense variant is not expected to disrupt CHRNB2 protein function.

GeneDx
Classification: Uncertain significance. Last evaluated: 2022-05-12. Review status: criteria provided, single submitter. Criteria: GeneDx Variant Classification Process June 2021. Collection method: clinical testing. Allele origin: germline. Affected: yes.
Comment: Not observed at significant frequency in large population cohorts (gnomAD); In silico analysis supports that this missense variant does not alter protein structure/function; Has not been previously published as pathogenic or benign to our knowledge